The following is an entry in ClinVar:

ClinVar aggregate classification (germline): not provided (0 of 4 stars; one submission).

Allele frequency attached by ClinVar (database versions not stated): ExAC 0.00010; gnomAD exomes 0.00016 and 0.00050; gnomAD 0.01432 and 0.01546.

Submission:

James Howe Lab, University of Iowa Hospital and Clinics
No classification provided. Review status: no classification provided. Collection method: not provided. Allele origin: unknown.
Comment: Analysis of CDKN1B mutations in 86 patients with small bowel neuroendocrine tumors and 68 patients with pancreas neuroendocrine tumors.

NM_001388492.1(HTT):c.110A>C (p.Gln37Pro)

Genes: HTT (huntingtin; plus strand), LOC109461479 (huntingtin repeat instability region; plus strand), LOC129929027 (ATAC-STARR-seq lymphoblastoid silent region 15199; plus strand). Cytogenetic location: 4p16.3.
Variant type: single nucleotide variant.
Coding change: c.110A>C on transcript NM_001388492.1 (MANE Select); coding-DNA position 110, A replaced by C.
Protein change: p.Gln37Pro; replaces glutamine 37 with proline.
Molecular consequence: missense variant.
Genome position (GRCh38, 1-based): chr4:3,074,929, A>C. VCF-style: chr4-3074929-A-C. GRCh37 (hg19) VCF-style: chr4-3076656-A-C.
Other names: c.110A>C, p.Gln37Pro (NM_002111.8); short protein forms Q37P.
Identifiers: ClinVar variation 156708 (VCV000156708.1), dbSNP rs587777899, ClinGen allele CA248405.
Genomic context (GRCh38, chr4:3,074,929, plus strand): 5'-AGTCCTTCCAGCAGCAGCAGCAGCAGCAGCAGCAGCAGCAGCAGCAGCAGCAGCAGCAGC[A>C]GCAGCAACAGCCGCCACCGCCGCCGCCGCCGCCGCCGCCTCCTCAGCTTCCTCAGCCGCC-3'
Protein context (NP_001375421.1, residues 27-47): QQQQQQQQQQ[Gln37Pro]QPPPPPPPPP